The following is an entry in ClinVar:

ClinVar aggregate classification (germline): Likely benign (1 of 4 stars; one submission).

Allele frequency attached by ClinVar (database versions not stated): gnomAD 0.00306; 1000 Genomes Project 0.00339; ExAC 0.00098; ESP Exome Variant Server 0.00308; 1000 Genomes Project 30x 0.00375.

Submission:

CeGaT Center for Human Genetics Tuebingen
Classification: Likely benign. Last evaluated: 2023-07-01. Review status: criteria provided, single submitter. Criteria: CeGaT Center For Human Genetics Tuebingen Variant Classification Criteria Version 2. Collection method: clinical testing. Allele origin: germline. Affected: yes. Observed: 1 variant allele.
Comment: KIR2DS4: BP4, BP7, BS2

NM_001281971.2(KIR2DS4):c.600G>A (p.Thr200=)

Gene: KIR2DS4 (killer cell immunoglobulin like receptor, two Ig domains and short cytoplasmic tail 4 (gene/pseudogene)). Cytogenetic location: 19q13.42.
Variant type: single nucleotide variant.
Coding change: c.600G>A on transcript NM_001281971.2; coding-DNA position 600, G replaced by A.
Protein change: p.Thr200=; no amino-acid change (threonine 200 retained).
Molecular consequence: synonymous variant.
Genome position (GRCh38, 1-based): chr19:54,839,657, G>A. VCF-style: chr19-54839657-G-A. GRCh37 (hg19) VCF-style: chr19-55351112-G-A.
Other names: c.600G>A, p.Thr200= (NM_001281972.2).
Identifiers: ClinVar variation 2650492 (VCV002650492.23), dbSNP rs111312586, ClinGen allele CA309931212.